The following is an entry in ClinVar:

NR_003051.4(RMRP):n.-7_-6insGGGACTACTCTGTGAAGCTG

Gene: RMRP (RNA component of mitochondrial RNA processing endoribonuclease; minus strand). Cytogenetic location: 9p13.3.
Variant type: Insertion.
Genome position: GRCh38 VCF-style: chr9-35658025-T-TCAGCTTCACAGAGTAGTCCC. GRCh37 (hg19) VCF-style: chr9-35658022-T-TCAGCTTCACAGAGTAGTCCC.
Identifiers: ClinVar variation 554037 (VCV000554037.14), dbSNP rs1554651471, ClinGen allele CA915947447.

ClinVar aggregate classification (germline): Pathogenic. Review status: criteria provided, multiple submitters, no conflicts (2 of 4 stars). 4 submissions from 4 submitters: Pathogenic (3). 1 of the submissions does not count toward it. Last evaluated 2024-05-24.

Conditions:
Anauxetic dysplasia. Identifiers: Orphanet 93347, MedGen C1846796, MONDO:0011773.
Metaphyseal chondrodysplasia, McKusick type (CHH). Also called: Cartilage-hair hypoplasia; Cartilage-Hair Hypoplasia (CHH). Identifiers: Orphanet 175, MedGen C0220748, MONDO:0009595, OMIM 250250.

Submissions (4):

Natera, Inc.
Classification: Pathogenic for Cartilage-hair hypoplasia. Last evaluated: 2024-05-24. Review status: criteria provided, single submitter. Criteria: Natera Variant Classification Schema (03/2026). Collection method: clinical testing. Allele origin: germline.
Comment: The n.-8_-7insGGGACTACTCTGTGAAGCTG variant in RMRP is an insertion affecting the RMRP promoter region between the TATA box and the transcription initiation site. Other duplications and insertions just upstream of the transcription initiation site have been reported in individuals affected with cartilage-hair hypoplasia (PMID: 11207361, 17937437). This variant is rare in the general population with a frequency below the threshold expected for the associated phenotype(s). This variant has been observed in one or more individuals affected with the associated recessive disease, as either homozygous or compound heterozygous with a second variant (PMID: 32021596). Given the available evidence, this variant is classified as Pathogenic.

Laboratorio de Biologia Molecular/Medicina Genomica - IFF/Fiocruz, Instituto Fernandes Figueira, Fundacao Oswaldo Cruz
Classification: Pathogenic for Metaphyseal chondrodysplasia, McKusick type. Last evaluated: 2024-01-25. Review status: criteria provided, single submitter. Criteria: ACMG Guidelines, 2015. Collection method: clinical testing. Allele origin: germline. Affected: yes. Observed: 1 variant allele.
Comment: This alteration is located within the promoter region of the RMRP gene, which encodes an untranslated RNA. Other insertions and duplications in this region have been reported in individuals affected with cartilage-hair hypoplasia-anauxetic dysplasia spectrum disorders (PMID: 11207361, 21956908, 21396580). This variant involves the insertion of 20 nucleotides between the TATA box and the transcription initiation site and functional studies have shown that this type of alteration result in reduced expression of the RMRP gene (PMIDs: 11207361, 16254002). For these reasons, this variant has been classified as Pathogenic.

Labcorp Genetics (formerly Invitae), Labcorp
Classification: Pathogenic for Anauxetic dysplasia. Last evaluated: 2023-10-15. Review status: criteria provided, single submitter. Criteria: Invitae Variant Classification Sherloc (09022015). Collection method: clinical testing. Allele origin: germline.
Comment: This variant occurs in the RMRP gene, which encodes an RNA molecule that does not result in a protein product. This variant is not present in population databases (gnomAD no frequency). While this particular variant has not been reported in the literature, it is located in the promoter region between the TATA box and the transcription initiation site, and other insertions and duplications immediately upstream of the coding sequence have been reported in individuals affected with cartilage-hair hypoplasia-anauxetic dysplasia (CHH-AD) spectrum disorders (PMID: 16244706, 11207361, 12107819). While functional studies for this variant have not been reported, experimental analyses using patient derived cells, as well as in vitro transfection studies, have shown that promoter insertions result in silencing of RMRP transcription and reduced expression of the gene product (PMID: 11207361, 16254002). For these reasons, this variant has been classified as Pathogenic.

Counsyl
Classification: Likely pathogenic for Metaphyseal chondrodysplasia, McKusick type. Last evaluated: 2017-10-06. Review status: no assertion criteria provided. Collection method: clinical testing. Allele origin: unknown. Not counted in ClinVar's aggregate classification.

Literature cited by the submitters: PubMed 11207361 (cited by Natera, Inc. and Labcorp Genetics (formerly Invitae), Labcorp); PubMed 17937437 (cited by Natera, Inc.); PubMed 32021596 (cited by Natera, Inc. and Laboratorio de Biologia Molecular/Medicina Genomica - IFF/Fiocruz, Instituto Fernandes Figueira, Fundacao Oswaldo Cruz); PubMed 16244706 (cited by Labcorp Genetics (formerly Invitae), Labcorp); PubMed 12107819 (cited by Labcorp Genetics (formerly Invitae), Labcorp); PubMed 16254002 (cited by Labcorp Genetics (formerly Invitae), Labcorp).